The following is an entry in ClinVar:

ClinVar aggregate classification (germline): Uncertain significance (1 of 4 stars; one submission).

Conditions:
Cardiovascular phenotype. Identifiers: MedGen CN230736.

gnomAD v4.1: 1 of 1,614,164 alleles (0.000062%); highest among the groups gnomAD compares: Non-Finnish European, 0.000085%; no homozygotes.

Submission:

Ambry Genetics
Classification: Uncertain significance for Cardiovascular phenotype. Last evaluated: 2024-04-19. Review status: criteria provided, single submitter. Criteria: Ambry Variant Classification Scheme 2023. Collection method: clinical testing. Allele origin: germline.
Comment: The p.D1906Y variant (also known as c.5716G>T), located in coding exon 36 of the MYH6 gene, results from a G to T substitution at nucleotide position 5716. The aspartic acid at codon 1906 is replaced by tyrosine, an amino acid with highly dissimilar properties. This amino acid position is conserved. In addition, the in silico prediction for this alteration is inconclusive. Based on the available evidence, the clinical significance of this variant remains unclear.

NM_002471.4(MYH6):c.5716G>T (p.Asp1906Tyr)

Gene: MYH6 (myosin heavy chain 6; minus strand). Cytogenetic location: 14q11.2.
Variant type: single nucleotide variant.
Coding change: c.5716G>T on transcript NM_002471.4 (MANE Select); coding-DNA position 5716, G replaced by T.
Protein change: p.Asp1906Tyr; replaces aspartic acid 1906 with tyrosine.
Molecular consequence: missense variant.
Genome position (GRCh38, 1-based): chr14:23,382,508, C>A on the plus strand (G>T on the coding strand, the complement: MYH6 is on the minus strand). VCF-style: chr14-23382508-C-A. GRCh37 (hg19) VCF-style: chr14-23851717-C-A.
Other names: short protein forms D1906Y.
Identifiers: ClinVar variation 3297484 (VCV003297484.1).